The following is an entry in ClinVar:

ClinVar aggregate classification (germline): Uncertain significance (1 of 4 stars; one submission).

Conditions:
Spastic paraplegia. Identifiers: MedGen C0037772, HP:0001258.

Submission:

Labcorp Genetics (formerly Invitae), Labcorp
Classification: Uncertain significance for Spastic paraplegia. Last evaluated: 2022-07-26. Review status: criteria provided, single submitter. Criteria: Invitae Variant Classification Sherloc (09022015). Collection method: clinical testing. Allele origin: germline.
Comment: Algorithms developed to predict the effect of missense changes on protein structure and function (SIFT, PolyPhen-2, Align-GVGD) all suggest that this variant is likely to be tolerated. This variant has not been reported in the literature in individuals affected with ZFYVE26-related conditions. This variant is not present in population databases (gnomAD no frequency). This sequence change replaces histidine, which is basic and polar, with arginine, which is basic and polar, at codon 1594 of the ZFYVE26 protein (p.His1594Arg). In summary, the available evidence is currently insufficient to determine the role of this variant in disease. Therefore, it has been classified as a Variant of Uncertain Significance.

NM_015346.4(ZFYVE26):c.4781A>G (p.His1594Arg)

Gene: ZFYVE26 (zinc finger FYVE-type containing 26; minus strand). Cytogenetic location: 14q24.1.
Variant type: single nucleotide variant.
Coding change: c.4781A>G on transcript NM_015346.4 (MANE Select); coding-DNA position 4781, A replaced by G.
Protein change: p.His1594Arg; replaces histidine 1594 with arginine.
Molecular consequence: missense variant.
Genome position (GRCh38, 1-based): chr14:67,778,142, T>C on the plus strand (A>G on the coding strand, the complement: ZFYVE26 is on the minus strand). VCF-style: chr14-67778142-T-C. GRCh37 (hg19) VCF-style: chr14-68244859-T-C.
Other names: short protein forms H1594R.
Identifiers: ClinVar variation 2086560 (VCV002086560.4), dbSNP rs2502791261, ClinGen allele CA390169022.